The following is an entry in ClinVar:

NM_000303.3(PMM2):c.457dup (p.Ile153fs)

Gene: PMM2 (phosphomannomutase 2; plus strand). Cytogenetic location: 16p13.2.
Variant type: Duplication.
Coding change: c.457dup on transcript NM_000303.3 (MANE Select); coding-DNA position 457, one base duplicated (A; older notation c.457dupA).
Protein change: p.Ile153fs; shifts the reading frame from isoleucine 153.
Molecular consequence: frameshift variant.
Genome position (GRCh38, 1-based): chr16:8,811,647, A duplicated. VCF-style (leftmost placement, unchanged base first): chr16-8811646-T-TA. GRCh37 (hg19) VCF-style: chr16-8905503-T-TA.
Other names: short protein forms I153fs.
Identifiers: ClinVar variation 1073046 (VCV001073046.7), dbSNP rs2141023345, ClinGen allele CA2499223725.

ClinVar aggregate classification (germline): Pathogenic (1 of 4 stars; one submission).

Conditions:
PMM2-congenital disorder of glycosylation. Also called: PHOSPHOMANNOMUTASE 2 DEFICIENCY; CARBOHYDRATE-DEFICIENT GLYCOPROTEIN SYNDROME, TYPE Ia; CDG Ia; JAEKEN SYNDROME; Congenital disorder of glycosylation, type Ia; PMM2-CDG. Identifiers: Orphanet 79318, MedGen C0349653, MONDO:0008907, OMIM 212065.

Submission:

Labcorp Genetics (formerly Invitae), Labcorp
Classification: Pathogenic for PMM2-congenital disorder of glycosylation. Last evaluated: 2020-06-10. Review status: criteria provided, single submitter. Criteria: Invitae Variant Classification Sherloc (09022015). Collection method: clinical testing. Allele origin: germline.
Comment: For these reasons, this variant has been classified as Pathogenic. Loss-of-function variants in PMM2 are known to be pathogenic (PMID: 19862844). This variant has not been reported in the literature in individuals with PMM2-related conditions. This variant is not present in population databases (ExAC no frequency). This sequence change creates a premature translational stop signal (p.Ile153Asnfs*29) in the PMM2 gene. It is expected to result in an absent or disrupted protein product.

Literature cited by the submitters: PubMed 19862844.